The following is an entry in ClinVar:

NC_012920.1(MT-CO3):m.9957T>C

Gene: MT-CO3 (mitochondrially encoded cytochrome c oxidase III; plus strand).
Variant type: single nucleotide variant.
Genome position: chrM-9957-T-C.
Identifiers: ClinVar variation 693252 (VCV000693252.2), dbSNP rs1556423753, ClinGen allele CA414804098.

ClinVar aggregate classification (germline): Benign. Review status: criteria provided, single submitter (1 of 4 stars). 2 submissions from 2 submitters: Benign (1). 1 of the submissions does not count toward it. Last evaluated 2019-10-17.

Conditions:
MELAS syndrome (MELAS). Also called: Juvenile myopathy, encephalopathy, lactic acidosis, stroke. Identifiers: Orphanet 550, MedGen C0162671, MONDO:0010789, OMIM 540000.
Leigh syndrome (NULS). Also called: Leigh's necrotizing encephalopathy; Leigh's disease; Leigh Syndrome (mtDNA deletion); Leigh Disease; Subacute necrotizing encephalopathy; Necrotizing encephalopathy infantile subacute of Leigh. Identifiers: Orphanet 506, MedGen C2931891, MONDO:0009723, OMIM 256000.

Submissions (2):

Wong Mito Lab, Molecular and Human Genetics, Baylor College of Medicine
Classification: Benign for Leigh syndrome. Last evaluated: 2019-10-17. Review status: criteria provided, single submitter. Criteria: Modified ACMG Guidelines (Unpublished). Collection method: clinical testing. Allele origin: germline.
Comment: The NC_012920.1:m.9957T>C (YP_003024032.1:p.Phe251Leu) variant in MTCO3 gene is interpretated to be a Benign variant based on the modified ACMG guidelines (unpublished). This variant meets the following evidence codes: BS1, BS4, BP4

GeneReviews
No classification provided. Condition: MELAS syndrome. Review status: no classification provided. Collection method: literature only. Allele origin: maternal. Not counted in ClinVar's aggregate classification.

Literature cited by the submitters: PubMed 7496173 (cited by Wong Mito Lab, Molecular and Human Genetics, Baylor College of Medicine and GeneReviews); PubMed 15823923 (cited by Wong Mito Lab, Molecular and Human Genetics, Baylor College of Medicine); PubMed 18587274 (cited by Wong Mito Lab, Molecular and Human Genetics, Baylor College of Medicine).